The following is an entry in ClinVar:

NM_002618.4(PEX13):c.32C>T (p.Pro11Leu)

Genes: PEX13 (peroxisomal biogenesis factor 13; plus strand), PUS10 (pseudouridine synthase 10; minus strand). Cytogenetic location: 2p15.
Variant type: single nucleotide variant.
Coding change: c.32C>T on transcript NM_002618.4 (MANE Select); coding-DNA position 32, C replaced by T.
Protein change: p.Pro11Leu; replaces proline 11 with leucine.
Molecular consequence: missense variant. On other transcripts: intron variant (2).
Genome position (GRCh38, 1-based): chr2:61,017,791, C>T. VCF-style: chr2-61017791-C-T. GRCh37 (hg19) VCF-style: chr2-61244926-C-T.
Other names: c.-16+217G>A (NM_144709.4); c.-623+217G>A (NM_001322127.1); short protein forms P11L.
Identifiers: ClinVar variation 336662 (VCV000336662.51), dbSNP rs564528921, ClinGen allele CA1673190.
Genomic context (GRCh38, chr2:61,017,791, plus strand): 5'-GGAGCGGGAGCCGAGAGGAGGCGGAGGAGATGGCGTCCCAGCCGCCACCTCCCCCCAAAC[C>T]CTGGGAGACCCGCCGAATTCCGGGAGCCGGACCGGGACCAGGACCGGGCCCCACTTTCCA-3'
Protein context (NP_002609.1, residues 1-21): MASQPPPPPK[Pro11Leu]WETRRIPGAG

ClinVar aggregate classification (germline): Uncertain significance. Review status: criteria provided, multiple submitters, no conflicts (2 of 4 stars). 7 submissions from 7 submitters: Uncertain significance (7). Last evaluated 2026-01-26.

Conditions:
Peroxisome biogenesis disorder 11A (Zellweger). Also called: Peroxisome biogenesis disorder 11A. Identifiers: Orphanet 912, MedGen C3554000, MONDO:0013949, OMIM 614883.
PEX13-related disorder. Also called: PEX13-related condition; PEX13-related disorders.
Inborn genetic diseases. Identifiers: MedGen C0950123, MeSH D030342.

Allele frequency attached by ClinVar (database versions not stated): TOPMed 0.00016.
gnomAD v4.1: 477 of 1,550,310 alleles (0.031%); highest among the groups gnomAD compares: Non-Finnish European, 0.04%; no homozygotes.

Submissions (7):

PreventionGenetics, part of Exact Sciences
Classification: Uncertain significance for PEX13-related condition. Last evaluated: 2026-01-26. Review status: criteria provided, single submitter. Criteria: ACMG Guidelines, 2015. Collection method: clinical testing. Allele origin: germline.
Comment: The PEX13 c.32C>T variant is predicted to result in the amino acid substitution p.Pro11Leu. To our knowledge, this variant has not been reported in the literature. This variant is reported in 0.029% of alleles in individuals of European (Non-Finnish) descent in gnomAD. At this time, the clinical significance of this variant is uncertain due to the absence of conclusive functional and genetic evidence.

Blueprint Genetics
Classification: Uncertain significance. Last evaluated: 2024-09-18. Review status: criteria provided, single submitter. Criteria: ACMG Guidelines, 2015. Collection method: clinical testing. Allele origin: germline.

Labcorp Genetics (formerly Invitae), Labcorp
Classification: Uncertain significance for Peroxisome biogenesis disorder 11A (Zellweger). Last evaluated: 2022-09-05. Review status: criteria provided, single submitter. Criteria: Invitae Variant Classification Sherloc (09022015). Collection method: clinical testing. Allele origin: germline.
Comment: This sequence change replaces proline, which is neutral and non-polar, with leucine, which is neutral and non-polar, at codon 11 of the PEX13 protein (p.Pro11Leu). This variant is present in population databases (rs564528921, gnomAD 0.03%). This variant has not been reported in the literature in individuals affected with PEX13-related conditions. ClinVar contains an entry for this variant (Variation ID: 336662). Algorithms developed to predict the effect of missense changes on protein structure and function are either unavailable or do not agree on the potential impact of this missense change (SIFT: "Tolerated"; PolyPhen-2: "Probably Damaging"; Align-GVGD: "Class C0"). In summary, the available evidence is currently insufficient to determine the role of this variant in disease. Therefore, it has been classified as a Variant of Uncertain Significance.

CeGaT Center for Human Genetics Tuebingen
Classification: Uncertain significance. Last evaluated: 2021-11-01. Review status: criteria provided, single submitter. Criteria: CeGaT Center For Human Genetics Tuebingen Variant Classification Criteria Version 2. Collection method: clinical testing. Allele origin: germline. Affected: yes. Observed: 1 variant allele.

ARUP Laboratories, Molecular Genetics and Genomics, ARUP Laboratories
Classification: Uncertain significance. Last evaluated: 2021-09-13. Review status: criteria provided, single submitter. Criteria: ARUP Molecular Germline Variant Investigation Process 2021. Collection method: clinical testing. Allele origin: germline.

Ambry Genetics
Classification: Uncertain significance for Inborn genetic diseases. Last evaluated: 2020-10-30. Review status: criteria provided, single submitter. Criteria: Ambry Variant Classification Scheme 2023. Collection method: clinical testing. Allele origin: germline.
Comment: The c.32C>T (p.P11L) alteration is located in exon 1 (coding exon 1) of the PEX13 gene. This alteration results from a C to T substitution at nucleotide position 32, causing the proline (P) at amino acid position 11 to be replaced by a leucine (L). Based on data from the Genome Aggregation Database (gnomAD) database, the PEX13 c.32C>T alteration was observed in 0.01% (25/182820) of total alleles studied, with a frequency of 0.03% (21/72920) in the European (non-Finnish) subpopulation. This amino acid position is highly conserved in available vertebrate species. The p.P11L alteration is predicted to be tolerated by in silico analysis. Based on insufficient or conflicting evidence, the clinical significance of this alteration remains unclear.

Illumina Laboratory Services, Illumina
Classification: Uncertain significance for Peroxisome biogenesis disorder 11A (Zellweger). Last evaluated: 2018-01-13. Review status: criteria provided, single submitter. Criteria: ICSL Variant Classification Criteria 13 December 2019. Collection method: clinical testing. Allele origin: germline.